The following is an entry in ClinVar:

ClinVar aggregate classification (germline): Pathogenic (1 of 4 stars; one submission).

Conditions:
Walker-Warburg congenital muscular dystrophy. Also called: Muscular dystrophy-dystroglycanopathy, type A; Walker-Warburg syndrome. Identifiers: Orphanet 899, MedGen C0265221, MONDO:0000171.

Submission:

Labcorp Genetics (formerly Invitae), Labcorp
Classification: Pathogenic for Walker-Warburg congenital muscular dystrophy. Last evaluated: 2022-10-20. Review status: criteria provided, single submitter. Criteria: Invitae Variant Classification Sherloc (09022015). Collection method: clinical testing. Allele origin: germline.
Comment: This sequence change creates a premature translational stop signal (p.Pro316Leufs*73) in the FKRP gene. While this is not anticipated to result in nonsense mediated decay, it is expected to disrupt the last 180 amino acid(s) of the FKRP protein. This variant is not present in population databases (gnomAD no frequency). This premature translational stop signal has been observed in individual(s) with limb-girdle muscular dystrophy (PMID: 28688748). This variant disrupts a region of the FKRP protein in which other variant(s) (p.Ile478Thr) have been determined to be pathogenic (PMID: 16476814, 18639457, 19299310). This suggests that this is a clinically significant region of the protein, and that variants that disrupt it are likely to be disease-causing. For these reasons, this variant has been classified as Pathogenic.

Literature cited by the submitters: PubMed 28688748; PubMed 16476814; PubMed 18639457; PubMed 19299310.

NM_024301.5(FKRP):c.947_948del (p.Pro316fs)

Gene: FKRP (fukutin related protein; plus strand). Cytogenetic location: 19q13.32.
Variant type: Deletion.
Coding change: c.947_948del on transcript NM_024301.5 (MANE Select); coding-DNA positions 947 to 948, 2 bases deleted (CC; older notation c.947_948delCC).
Protein change: p.Pro316fs; shifts the reading frame from proline 316.
Molecular consequence: frameshift variant.
Genome position (GRCh38, 1-based): chr19:46,756,397-46,756,398, CC deleted; deleting any 2 consecutive bases within chr19:46,756,393-46,756,398 gives the same sequence; the c. name uses the placement nearest the transcript's 3' end. VCF-style (leftmost placement, unchanged base first): chr19-46756392-GCC-G. GRCh37 (hg19) VCF-style: chr19-47259649-GCC-G.
Other names: c.947_948del, p.Pro316fs (NM_001039885.3); short protein forms P316fs.
Identifiers: ClinVar variation 2138311 (VCV002138311.4), dbSNP rs748798133, ClinGen allele CA2580097444.